The following is an entry in ClinVar:

ClinVar aggregate classification (germline): Uncertain significance. Review status: criteria provided, multiple submitters, no conflicts (2 of 4 stars). 2 submissions from 2 submitters: Uncertain significance (2). Last evaluated 2024-04-05.

Conditions:
Polycystic kidney disease, adult type (PKD1). Also called: Polycystic Kidney, Autosomal Dominant; POLYCYSTIC KIDNEY DISEASE 1 WITH OR WITHOUT POLYCYSTIC LIVER DISEASE; POLYCYSTIC KIDNEY DISEASE, ADULT, TYPE I; Polycystic Kidney Disease 1, Autosomal Dominant; Polycystic kidney disease 1; Polycystic kidney disease 1, severe. Identifiers: MedGen C3149841, MONDO:0008263, OMIM 173900.

gnomAD v4.1: 4 of 1,611,586 alleles (0.00025%); highest among the groups gnomAD compares: African/African-American, 0.004%; no homozygotes.

Submissions (2):

Fulgent Genetics
Classification: Uncertain significance for Polycystic kidney disease, adult type. Last evaluated: 2024-04-05. Review status: criteria provided, single submitter. Criteria: ACMG Guidelines, 2015. Collection method: clinical testing. Allele origin: germline.

GeneDx
Classification: Uncertain significance. Last evaluated: 2023-12-26. Review status: criteria provided, single submitter. Criteria: GeneDx Variant Classification Process June 2021. Collection method: clinical testing. Allele origin: germline. Affected: yes.
Comment: Not observed at significant frequency in large population cohorts (gnomAD); In silico analysis supports that this missense variant has a deleterious effect on protein structure/function; Has not been previously published as pathogenic or benign to our knowledge

NM_001009944.3(PKD1):c.4347C>G (p.Asn1449Lys)

Gene: PKD1 (polycystin 1, transient receptor potential channel interacting; minus strand). Cytogenetic location: 16p13.3.
Variant type: single nucleotide variant.
Coding change: c.4347C>G on transcript NM_001009944.3 (MANE Select); coding-DNA position 4347, C replaced by G.
Protein change: p.Asn1449Lys; replaces asparagine 1449 with lysine.
Molecular consequence: missense variant.
Genome position (GRCh38, 1-based): chr16:2,110,820, G>C on the plus strand (C>G on the coding strand, the complement: PKD1 is on the minus strand). VCF-style: chr16-2110820-G-C. GRCh37 (hg19) VCF-style: chr16-2160821-G-C.
Other names: c.4347C>G, p.Asn1449Lys (NM_000296.4); short protein forms N1449K.
Identifiers: ClinVar variation 3365396 (VCV003365396.2).
Genomic context (GRCh38, chr16:2,110,820, plus strand): 5'-GGTGACCAGCACGGGCTCCTGCACCTCCACCAGGGCTGAGTCATTGGCAGCAGAGATGTT[G>C]TTGGACGCGGTGACTGTCACAAGATAGGAGCCTGGGTCTCGGTAGATGAACGTCACCTCA-3'
Protein context (NP_001009944.3, residues 1439-1459): GSYLVTVTAS[Asn1449Lys]NISAANDSAL